The following is an entry in ClinVar:

NM_002225.5(IVD):c.596G>T (p.Gly199Val)

Gene: IVD (isovaleryl-CoA dehydrogenase; plus strand). Cytogenetic location: 15q15.1.
Variant type: single nucleotide variant.
Coding change: c.596G>T on transcript NM_002225.5 (MANE Select); coding-DNA position 596, G replaced by T.
Protein change: p.Gly199Val; replaces glycine 199 with valine.
Molecular consequence: missense variant. On other transcripts: non-coding transcript variant (1).
Genome position (GRCh38, 1-based): chr15:40,411,600, G>T. VCF-style: chr15-40411600-G-T. GRCh37 (hg19) VCF-style: chr15-40703799-G-T.
Other names: G170V; c.506G>T, p.Gly169Val (NM_001159508.3); c.548G>T, p.Gly183Val (NM_001354597.3); c.596G>T, p.Gly199Val (NM_001354598.3, NM_001354601.3); c.683G>T, p.Gly228Val (NM_001354599.3, NM_001354600.3); short protein forms G183V, G228V, G169V, G199V.
Identifiers: ClinVar variation 3563 (VCV000003563.14), dbSNP rs121434285, ClinGen allele CA116359.

ClinVar aggregate classification (germline): Pathogenic/Likely pathogenic. Review status: criteria provided, multiple submitters, no conflicts (2 of 4 stars). 8 submissions from 8 submitters: Pathogenic (1); Likely pathogenic (5). 2 of the submissions do not count toward it. Last evaluated 2025-05-30.

Conditions:
IVD-related disorder. Also called: IVD-related condition.
Isovaleric acidemia, type I. Identifiers: MedGen C4017056.
Isovaleryl-CoA dehydrogenase deficiency (IVA). Also called: Isovaleric acidemia; IVD DEFICIENCY; Classic Isovaleric Acidemia; ISOVALERIC ACID CoA DEHYDROGENASE DEFICIENCY. Identifiers: Orphanet 33, MedGen C0268575, MONDO:0009475, OMIM 243500.

Allele frequency attached by ClinVar (database versions not stated): gnomAD exomes below 0.00001 and 0.00001; gnomAD 0.00002; TOPMed 0.00003.
gnomAD v4.1: 10 of 1,614,082 alleles (0.00062%); highest among the groups gnomAD compares: Non-Finnish European, 0.00085%; no homozygotes.

Submissions (8):

Natera, Inc.
Classification: Likely pathogenic for Isovaleryl-coa dehydrogenase deficiency. Last evaluated: 2025-05-30. Review status: criteria provided, single submitter. Criteria: Natera Variant Classification Schema (03/2026). Collection method: clinical testing. Allele origin: germline.
Comment: The c.605G>T variant in IVD is a missense variant predicted to cause substitution of glycine to valine at amino acid 202. This variant is rare in the general population with a frequency below the threshold expected for the associated phenotype(s). This variant has been observed in one or more individuals affected with the associated recessive disease, as either homozygous or compound heterozygous with a second variant (PMID: 10677295). Functional studies show that this variant may disrupt protein function (PMID: 9665741). Computational prediction algorithms indicate this variant is likely to affect gene or protein function. Given the available evidence, this variant is classified as Likely Pathogenic.

Labcorp Genetics (formerly Invitae), Labcorp
Classification: Likely pathogenic for Isovaleryl-CoA dehydrogenase deficiency. Last evaluated: 2025-05-11. Review status: criteria provided, single submitter. Criteria: Invitae Variant Classification Sherloc (09022015). Collection method: clinical testing. Allele origin: germline.
Comment: This sequence change replaces glycine, which is neutral and non-polar, with valine, which is neutral and non-polar, at codon 202 of the IVD protein (p.Gly202Val). This variant is present in population databases (rs121434285, gnomAD 0.002%). This missense change has been observed in individuals with isovaleric acidemia (PMID: 9665741; internal data). This variant is also known as c.596G>T (p.Gly170Val). ClinVar contains an entry for this variant (Variation ID: 3563). An algorithm developed to predict the effect of missense changes on protein structure and function (PolyPhen-2) suggests that this variant is likely to be disruptive. Experimental studies have shown that this missense change affects IVD function (PMID: 9665741). In summary, the currently available evidence indicates that the variant is pathogenic, but additional data are needed to prove that conclusively. Therefore, this variant has been classified as Likely Pathogenic.

Women's Health and Genetics/Laboratory Corporation of America, LabCorp
Classification: Likely pathogenic for Isovaleryl-CoA dehydrogenase deficiency. Last evaluated: 2024-11-22. Review status: criteria provided, single submitter. Criteria: LabCorp Variant Classification Summary - May 2015. Collection method: clinical testing. Allele origin: germline.
Comment: Variant summary: IVD c.596G>T (p.Gly199Val) results in a non-conservative amino acid change located in the Acyl-CoA oxidase/dehydrogenase, middle domain (IPR006091) of the encoded protein sequence. Five of five in-silico tools predict a damaging effect of the variant on protein function. The variant allele was found at a frequency of 8e-06 in 251480 control chromosomes. c.596G>T has been reported in the literature in individuals affected with Isovaleryl-CoA Dehydrogenase Deficiency (e.g., Vockley_1991, Mohsen_1998, Internal data). These data do not allow any conclusion about variant significance. At least one publication reports experimental evidence evaluating an impact on protein function, finding that the variant results in an absence of detectable enzymatic activity, potentially due to protein misfolding (e.g., Mohsen_1998). The following publications have been ascertained in the context of this evaluation (PMID: 9665741, 2063866). ClinVar contains an entry for this variant (Variation ID: 3563). Based on the evidence outlined above, the variant was classified as likely pathogenic.

PreventionGenetics, part of Exact Sciences
Classification: Likely pathogenic for IVD-related condition. Last evaluated: 2024-11-15. Review status: criteria provided, single submitter. Criteria: ACMG Guidelines, 2015. Collection method: clinical testing. Allele origin: germline.
Comment: The IVD c.605G>T variant is predicted to result in the amino acid substitution p.Gly202Val. This variant, which has also been described in the literature as Gly170Val, was reported along with a second causative IVD variant in an individual with isovaleric acidemia (Vockley et al. 1991. PubMed ID: 2063866). In an in vitro study, the p.Gly202Val substitution was reported to abolish enzyme activity (Mohsen et al. 1998. PubMed ID: 9665741). This variant is reported in 0.0023% of alleles in individuals of European (Non-Finnish) descent in gnomAD. This variant is interpreted as likely pathogenic.

Baylor Genetics
Classification: Likely pathogenic for Isovaleryl-CoA dehydrogenase deficiency. Last evaluated: 2024-03-05. Review status: criteria provided, single submitter. Criteria: ACMG Guidelines, 2015. Collection method: clinical testing. Allele origin: unknown.

GeneDx
Classification: Pathogenic. Last evaluated: 2016-07-26. Review status: criteria provided, single submitter. Criteria: GeneDx Variant Classification (06012015). Collection method: clinical testing. Allele origin: germline. Affected: yes.
Comment: The G202V missense variant in the IVD gene has been reported previously in association with isovaleric acidemia (IVA), using alternate nomenclature (G170V) (Vockley et al., 1991). Functional studies in E. coli suggest G202V has little detectable protein activity compared to wild type (Mohsen et al., 1998). The G202V variant was not observed in approximately 6500 individuals of European and African American ancestry in the NHLBI Exome Sequencing Project, indicating it is not a common benign variant in these populations. The G202V substitution occurs at a position that is conserved across species, and in silico analysis predicts this variant is probably damaging to the protein structure/function. Furthermore, Glycine 202 is located in the FAD binding domain of the isovaleryl-CoA dehydrogenase protein (Vockley et al., 1991). In summary, we interpret G202V to be a pathogenic variant.

Counsyl
Classification: Uncertain significance for Isovaleryl-CoA dehydrogenase deficiency. Last evaluated: 2017-09-13. Review status: no assertion criteria provided. Collection method: clinical testing. Allele origin: unknown. Not counted in ClinVar's aggregate classification.

OMIM
Classification: Pathogenic for ISOVALERIC ACIDEMIA, TYPE I. Last evaluated: 1991-07-01. Review status: no assertion criteria provided. Collection method: literature only. Allele origin: germline. Not counted in ClinVar's aggregate classification.

Literature cited by the submitters: PubMed 10677295 (cited by Natera, Inc.); PubMed 9665741 (cited by 4 submitters); PubMed 2063866 (cited by 3 submitters).